The following is an entry in ClinVar:

NM_001481.3(DRC4):c.289G>T (p.Val97Leu)

Gene: DRC4 (dynein regulatory complex subunit 4; plus strand). Cytogenetic location: 16q24.3.
Variant type: single nucleotide variant.
Coding change: c.289G>T on transcript NM_001481.3 (MANE Select); coding-DNA position 289, G replaced by T.
Protein change: p.Val97Leu; replaces valine 97 with leucine.
Molecular consequence: missense variant. On other transcripts: 5 prime UTR variant (1).
Genome position (GRCh38, 1-based): chr16:90,032,718, G>T. VCF-style: chr16-90032718-G-T. GRCh37 (hg19) VCF-style: chr16-90099126-G-T.
Other names: c.40G>T, p.Val14Leu (NM_001286205.2); c.-233G>T (NM_001286208.2); c.214G>T, p.Val72Leu (NM_001286209.2); short protein forms V97L, V14L, V72L.
Identifiers: ClinVar variation 849223 (VCV000849223.6), dbSNP rs147133929, ClinGen allele CA8257758.

ClinVar aggregate classification (germline): Uncertain significance. Review status: criteria provided, multiple submitters, no conflicts (2 of 4 stars). 2 submissions from 2 submitters: Uncertain significance (2). Last evaluated 2023-05-29.

Conditions:
Primary ciliary dyskinesia 33. Also called: CILIARY DYSKINESIA, PRIMARY, 33, WITHOUT SITUS INVERSUS. Identifiers: Orphanet 244, MedGen C4225230, MONDO:0014750, OMIM 616726.

Allele frequency attached by ClinVar (database versions not stated): TOPMed 0.00018; ESP Exome Variant Server 0.00031; 1000 Genomes Project 0.00040; 1000 Genomes Project 30x 0.00047.
gnomAD v4.1: 64 of 1,613,774 alleles (0.004%); highest among the groups gnomAD compares: African/African-American, 0.068%; no homozygotes.

Submissions (3):

Blueprint Genetics
Classification: Uncertain significance. Last evaluated: 2023-05-29. Review status: criteria provided, single submitter. Criteria: ACMG Guidelines, 2015. Collection method: clinical testing. Allele origin: germline.

Labcorp Genetics (formerly Invitae), Labcorp
Classification: Uncertain significance for Primary ciliary dyskinesia 33. Last evaluated: 2022-08-19. Review status: criteria provided, single submitter. Criteria: Invitae Variant Classification Sherloc (09022015). Collection method: clinical testing. Allele origin: germline.
Comment: This sequence change replaces valine, which is neutral and non-polar, with leucine, which is neutral and non-polar, at codon 97 of the GAS8 protein (p.Val97Leu). This variant is present in population databases (rs147133929, gnomAD 0.06%). This variant has not been reported in the literature in individuals affected with GAS8-related conditions. ClinVar contains an entry for this variant (Variation ID: 849223). Algorithms developed to predict the effect of missense changes on protein structure and function (SIFT, PolyPhen-2, Align-GVGD) all suggest that this variant is likely to be tolerated. Algorithms developed to predict the effect of sequence changes on RNA splicing suggest that this variant may disrupt the consensus splice site. In summary, the available evidence is currently insufficient to determine the role of this variant in disease. Therefore, it has been classified as a Variant of Uncertain Significance.

Dr. Peter K. Rogan Lab, Western University
No classification provided (evidence only). Condition: Cervical cancer. Review status: no classification provided. Collection method: in vitro. Allele origin: not applicable. Functional consequence: skipped exon, retained intron. Not counted in ClinVar's aggregate classification.